The following is an entry in ClinVar:

ClinVar aggregate classification (germline): Uncertain significance (1 of 4 stars; one submission).

Conditions:
Cystic fibrosis (CF). Also called: MUCOVISCIDOSIS. Identifiers: Orphanet 586, MedGen C0010674, MONDO:0009061, OMIM 219700. Disease mechanism: loss of function.

Submission:

Ambry Genetics
Classification: Uncertain significance for Cystic fibrosis. Last evaluated: 2025-05-29. Review status: criteria provided, single submitter. Criteria: Ambry Variant Classification Scheme 2023. Collection method: clinical testing. Allele origin: germline.
Comment: The p.L210I variant (also known as c.628C>A), located in coding exon 6 of the CFTR gene, results from a C to A substitution at nucleotide position 628. The leucine at codon 210 is replaced by isoleucine, an amino acid with highly similar properties. This amino acid position is highly conserved in available vertebrate species. In addition, the in silico prediction for this alteration is inconclusive. Based on the available evidence, the clinical significance of this variant remains unclear.

NM_000492.4(CFTR):c.628C>A (p.Leu210Ile)

Gene: CFTR (CF transmembrane conductance regulator; plus strand). Cytogenetic location: 7q31.2.
Variant type: single nucleotide variant.
Coding change: c.628C>A on transcript NM_000492.4 (MANE Select); coding-DNA position 628, C replaced by A.
Protein change: p.Leu210Ile; replaces leucine 210 with isoleucine.
Molecular consequence: missense variant.
Genome position (GRCh38, 1-based): chr7:117,535,296, C>A. VCF-style: chr7-117535296-C-A. GRCh37 (hg19) VCF-style: chr7-117175350-C-A.
Other names: short protein forms L210I.
Identifiers: ClinVar variation 1752644 (VCV001752644.3), dbSNP rs759719664, ClinGen allele CA368976873.